The following is an entry in ClinVar:

NM_004268.5(MED17):c.172G>T (p.Glu58Ter)

Gene: MED17 (mediator complex subunit 17; plus strand). Cytogenetic location: 11q21.
Variant type: single nucleotide variant.
Coding change: c.172G>T on transcript NM_004268.5 (MANE Select); coding-DNA position 172, G replaced by T.
Protein change: p.Glu58Ter; replaces glutamic acid 58 with a stop codon.
Molecular consequence: nonsense.
Genome position (GRCh38, 1-based): chr11:93,784,685, G>T. VCF-style: chr11-93784685-G-T. GRCh37 (hg19) VCF-style: chr11-93517851-G-T.
Other names: short protein forms E58*.
Identifiers: ClinVar variation 2131080 (VCV002131080.4), dbSNP rs2497512202, ClinGen allele CA382387831.

ClinVar aggregate classification (germline): Pathogenic (1 of 4 stars; one submission).

Submission:

Labcorp Genetics (formerly Invitae), Labcorp
Classification: Pathogenic. Last evaluated: 2022-04-28. Review status: criteria provided, single submitter. Criteria: Invitae Variant Classification Sherloc (09022015). Collection method: clinical testing. Allele origin: germline.
Comment: For these reasons, this variant has been classified as Pathogenic. This variant has not been reported in the literature in individuals affected with MED17-related conditions. This variant is not present in population databases (gnomAD no frequency). This sequence change creates a premature translational stop signal (p.Glu58*) in the MED17 gene. It is expected to result in an absent or disrupted protein product. Loss-of-function variants in MED17 are known to be pathogenic (PMID: 20950787, 26004231, 30345598).

Literature cited by the submitters: PubMed 20950787; PubMed 26004231; PubMed 30345598.